The following is an entry in ClinVar:

ClinVar aggregate classification (germline): Conflicting classifications of pathogenicity. Review status: criteria provided, conflicting classifications (1 of 4 stars). 5 submissions from 5 submitters: Uncertain significance (1); Benign (1); Likely benign (3). Last evaluated 2025-09-01.

Conditions:
Neurodevelopmental disorder with dysmorphic facies and distal limb anomalies. Identifiers: Orphanet 686482, MedGen C4540327, MONDO:0060596, OMIM 617755.

Allele frequency attached by ClinVar (database versions not stated): ESP Exome Variant Server 0.00008; gnomAD exomes 0.00010; gnomAD 0.00013; ExAC 0.00016; TOPMed 0.00016.
gnomAD v4.1: 178 of 1,614,098 alleles (0.011%); highest among the groups gnomAD compares: Middle Eastern, 0.066%; no homozygotes.

Submissions (5):

CeGaT Center for Human Genetics Tuebingen
Classification: Likely benign. Last evaluated: 2025-09-01. Review status: criteria provided, single submitter. Criteria: CeGaT Center For Human Genetics Tuebingen Variant Classification Criteria Version 2. Collection method: clinical testing. Allele origin: germline. Affected: yes. Observed: 2 variant alleles.
Comment: BPTF: BP4, BS2

Laboratory of Genetics, Children's Clinical University Hospital Latvia
Classification: Likely benign. Last evaluated: 2025-02-16. Review status: criteria provided, single submitter. Criteria: ACMG Guidelines, 2015. Collection method: clinical testing. Allele origin: germline. Affected: yes.

Labcorp Genetics (formerly Invitae), Labcorp
Classification: Benign. Last evaluated: 2024-05-12. Review status: criteria provided, single submitter. Criteria: Invitae Variant Classification Sherloc (09022015). Collection method: clinical testing. Allele origin: germline.

GeneDx
Classification: Uncertain significance. Last evaluated: 2023-06-19. Review status: criteria provided, single submitter. Criteria: GeneDx Variant Classification Process June 2021. Collection method: clinical testing. Allele origin: germline. Affected: yes.
Comment: In silico analysis supports that this missense variant does not alter protein structure/function; Has not been previously published as pathogenic or benign to our knowledge

Victorian Clinical Genetics Services, Murdoch Childrens Research Institute
Classification: Likely benign for Neurodevelopmental disorder with dysmorphic facies and distal limb anomalies. Last evaluated: 2022-02-02. Review status: criteria provided, single submitter. Criteria: ACMG Guidelines, 2015. Collection method: clinical testing. Allele origin: germline. Inheritance: Autosomal dominant inheritance.
Comment: Based on the classification scheme VCGS_Germline_v1.3.4, this variant is classified as likely benign. Following criteria are met: 0308 - Population frequency for this variant is out of keeping with known incidence of autosomal dominant neurodevelopmental disorder with dysmorphic facies and distal limb anomalies (MIM# 617755). (SB) Legend: (SP) - Supporting pathogenic, (I) - Information, (SB) - Supporting benign

NM_182641.4(BPTF):c.3905G>A (p.Ser1302Asn)

Gene: BPTF (bromodomain PHD finger transcription factor; plus strand). Cytogenetic location: 17q24.2.
Variant type: single nucleotide variant.
Coding change: c.3905G>A on transcript NM_182641.4 (MANE Select); coding-DNA position 3905, G replaced by A.
Protein change: p.Ser1302Asn; replaces serine 1302 with asparagine.
Molecular consequence: missense variant.
Genome position (GRCh38, 1-based): chr17:67,911,789, G>A. VCF-style: chr17-67911789-G-A. GRCh37 (hg19) VCF-style: chr17-65907905-G-A.
Other names: c.4283G>A (NM_004459.6); c.4283G>A, p.Ser1428Asn (NM_004459.7); short protein forms S1302N, S1428N.
Identifiers: ClinVar variation 1805140 (VCV001805140.33), dbSNP rs144807262, ClinGen allele CA8725724.